The following is an entry in ClinVar:

NM_000127.3(EXT1):c.129G>T (p.Arg43Ser)

Gene: EXT1 (exostosin glycosyltransferase 1; minus strand). Cytogenetic location: 8q24.11.
Variant type: single nucleotide variant.
Coding change: c.129G>T on transcript NM_000127.3 (MANE Select); coding-DNA position 129, G replaced by T.
Protein change: p.Arg43Ser; replaces arginine 43 with serine.
Molecular consequence: missense variant.
Genome position (GRCh38, 1-based): chr8:118,110,918, C>A on the plus strand (G>T on the coding strand, the complement: EXT1 is on the minus strand). VCF-style: chr8-118110918-C-A. GRCh37 (hg19) VCF-style: chr8-119123157-C-A.
Other names: short protein forms R43S.
Identifiers: ClinVar variation 2828164 (VCV002828164.3), dbSNP rs1482036956, ClinGen allele CA371916539.
Genomic context (GRCh38, chr8:118,110,918, plus strand): 5'-GCGCAGAGCGTCCGGGAAGCGGGGCCAGAAATGATCCGGACTGGGGTGGTGCAAGCCATT[C>A]CTACCGCTGTGTTCTTCTCTCCGGCTGTGGCTCCTCGATGCCCTAAACTGCAAGCCTCCG-3'
Protein context (NP_000118.2, residues 33-53): SHSRREEHSG[Arg43Ser]NGLHHPSPDH

ClinVar aggregate classification (germline): Uncertain significance (1 of 4 stars; one submission).

Conditions:
Multiple congenital exostosis (EXT). Also called: MULTIPLE CARTILAGINOUS EXOSTOSES; Hereditary multiple osteochondromas; Hereditary multiple exostoses; Hereditary multiple exostosis; Multiple exostoses; Multiple osteochondromas. Identifiers: Orphanet 321, MedGen C0015306, MONDO:0005508, HP:0002762.

gnomAD v4.1: 2 of 1,614,050 alleles (0.00012%); highest among the groups gnomAD compares: Non-Finnish European, 0.00017%; no homozygotes.

Submission:

Labcorp Genetics (formerly Invitae), Labcorp
Classification: Uncertain significance for Multiple congenital exostosis. Last evaluated: 2023-03-18. Review status: criteria provided, single submitter. Criteria: Invitae Variant Classification Sherloc (09022015). Collection method: clinical testing. Allele origin: germline.
Comment: This variant is not present in population databases (gnomAD no frequency). In summary, the available evidence is currently insufficient to determine the role of this variant in disease. Therefore, it has been classified as a Variant of Uncertain Significance. Advanced modeling of protein sequence and biophysical properties (such as structural, functional, and spatial information, amino acid conservation, physicochemical variation, residue mobility, and thermodynamic stability) has been performed at Invitae for this missense variant, however the output from this modeling did not meet the statistical confidence thresholds required to predict the impact of this variant on EXT1 protein function. This variant has not been reported in the literature in individuals affected with EXT1-related conditions. This sequence change replaces arginine, which is basic and polar, with serine, which is neutral and polar, at codon 43 of the EXT1 protein (p.Arg43Ser).